The following is an entry in ClinVar:

ClinVar aggregate classification (germline): Likely benign (1 of 4 stars; one submission).

Allele frequency attached by ClinVar (database versions not stated): 1000 Genomes Project 30x 0.00031; gnomAD 0.00081; TOPMed 0.00081; ESP Exome Variant Server 0.00085.
gnomAD v4.1: 2,103 of 1,611,772 alleles (0.13%); highest among the groups gnomAD compares: Non-Finnish European, 0.17%; 2 homozygotes.

Submissions (4):

CeGaT Center for Human Genetics Tuebingen
Classification: Likely benign. Last evaluated: 2023-06-01. Review status: criteria provided, single submitter. Criteria: CeGaT Center For Human Genetics Tuebingen Variant Classification Criteria Version 2. Collection method: clinical testing. Allele origin: germline. Affected: yes. Observed: 1 variant allele.
Comment: MRPS17: BP4

Dr. Peter K. Rogan Lab, Western University
No classification provided (evidence only). Condition: Familial cancer of breast. Review status: no classification provided. Collection method: in vitro. Allele origin: not applicable. Functional consequence: retained intron. Not counted in ClinVar's aggregate classification.

Dr. Peter K. Rogan Lab, Western University
No classification provided (evidence only). Condition: Familial cancer of breast. Review status: no classification provided. Collection method: in vitro. Allele origin: not applicable. Functional consequence: retained intron. Not counted in ClinVar's aggregate classification.

Dr. Peter K. Rogan Lab, Western University
No classification provided (evidence only). Condition: Acute myeloid leukemia. Review status: no classification provided. Collection method: in vitro. Allele origin: not applicable. Functional consequence: retained intron. Not counted in ClinVar's aggregate classification.

NM_015969.3(MRPS17):c.124-6C>G

Gene: MRPS17 (mitochondrial ribosomal protein S17; plus strand). Cytogenetic location: 7p11.2.
Variant type: single nucleotide variant.
Coding change: c.124-6C>G on transcript NM_015969.3 (MANE Select); 6 bases into the intron before coding-DNA position 124, C replaced by G.
Molecular consequence: intron variant.
Genome position (GRCh38, 1-based): chr7:55,954,903, C>G. VCF-style: chr7-55954903-C-G. GRCh37 (hg19) VCF-style: chr7-56022596-C-G.
Other names: NC_000007.13:g.56022596C>G.
Identifiers: ClinVar variation 2657514 (VCV002657514.25), dbSNP rs200725553, ClinGen allele CA4268177.